The following is an entry in ClinVar:

NM_004341.5(CAD):c.20A>T (p.Glu7Val)

Gene: CAD (carbamoyl-phosphate synthetase 2, aspartate transcarbamylase, and dihydroorotase; plus strand). Cytogenetic location: 2p23.3.
Variant type: single nucleotide variant.
Coding change: c.20A>T on transcript NM_004341.5 (MANE Select); coding-DNA position 20, A replaced by T.
Protein change: p.Glu7Val; replaces glutamic acid 7 with valine.
Molecular consequence: missense variant.
Genome position (GRCh38, 1-based): chr2:27,217,571, A>T. VCF-style: chr2-27217571-A-T. GRCh37 (hg19) VCF-style: chr2-27440439-A-T.
Other names: c.20A>T, p.Glu7Val (NM_001306079.2); short protein forms E7V.
Identifiers: ClinVar variation 4769144 (VCV004769144.1).

ClinVar aggregate classification (germline): Uncertain significance (1 of 4 stars; one submission).

Submission:

Labcorp Genetics (formerly Invitae), Labcorp
Classification: Uncertain significance. Last evaluated: 2025-02-25. Review status: criteria provided, single submitter. Criteria: Invitae Variant Classification Sherloc (09022015). Collection method: clinical testing. Allele origin: germline.
Comment: This sequence change replaces glutamic acid, which is acidic and polar, with valine, which is neutral and non-polar, at codon 7 of the CAD protein (p.Glu7Val). This variant is not present in population databases (gnomAD no frequency). This variant has not been reported in the literature in individuals affected with CAD-related conditions. Invitae Evidence Modeling of protein sequence and biophysical properties (such as structural, functional, and spatial information, amino acid conservation, physicochemical variation, residue mobility, and thermodynamic stability) indicates that this missense variant is not expected to disrupt CAD protein function with a negative predictive value of 80%. In summary, the available evidence is currently insufficient to determine the role of this variant in disease. Therefore, it has been classified as a Variant of Uncertain Significance.